The following is an entry in ClinVar:

NM_018127.7(ELAC2):c.1507C>T (p.Leu503Phe)

Gene: ELAC2 (elaC ribonuclease Z 2; minus strand). Cytogenetic location: 17p12.
Variant type: single nucleotide variant.
Coding change: c.1507C>T on transcript NM_018127.7 (MANE Select); coding-DNA position 1507, C replaced by T.
Protein change: p.Leu503Phe; replaces leucine 503 with phenylalanine.
Molecular consequence: missense variant.
Genome position (GRCh38, 1-based): chr17:12,998,425, G>A on the plus strand (C>T on the coding strand, the complement: ELAC2 is on the minus strand). VCF-style: chr17-12998425-G-A. GRCh37 (hg19) VCF-style: chr17-12901742-G-A.
Other names: c.1387C>T, p.Leu463Phe (NM_001165962.2); c.1504C>T, p.Leu502Phe (NM_173717.2); short protein forms L503F, L502F, L463F.
Identifiers: ClinVar variation 1961612 (VCV001961612.4), dbSNP rs772606905, ClinGen allele CA8401181.
Genomic context (GRCh38, chr17:12,998,425, plus strand): 5'-GTAAACGTGCCCTTGATGGAAGGATGCTTCCTGGGAAAGCAGCATACCTTATGTTGACAA[G>A]TGTGGCACTGACATTTCGAATCTTCATCGGGATGGCAGACCCTGTTCCAAGGAAGATGAT-3'
Protein context (NP_060597.4, residues 493-513): PMKIRNVSAT[Leu503Phe]VNISPDTSLL

ClinVar aggregate classification (germline): Uncertain significance. Review status: criteria provided, multiple submitters, no conflicts (2 of 4 stars). 2 submissions from 2 submitters: Uncertain significance (2). Last evaluated 2022-06-30.

Conditions:
Combined oxidative phosphorylation defect type 17. Also called: Combined oxidative phosphorylation deficiency 17. Identifiers: Orphanet 369913, MedGen C3809526, MONDO:0014190, OMIM 615440.
Inborn genetic diseases. Identifiers: MedGen C0950123, MeSH D030342.

Allele frequency attached by ClinVar (database versions not stated): gnomAD 0.00001; gnomAD exomes 0.00001; TOPMed 0.00001; ExAC 0.00003.
gnomAD v4.1: 20 of 1,614,038 alleles (0.0012%); highest among the groups gnomAD compares: East Asian, 0.0022%; no homozygotes.

Submissions (2):

Ambry Genetics
Classification: Uncertain significance for Inborn genetic diseases. Last evaluated: 2022-06-30. Review status: criteria provided, single submitter. Criteria: Ambry Variant Classification Scheme 2023. Collection method: clinical testing. Allele origin: germline.

Labcorp Genetics (formerly Invitae), Labcorp
Classification: Uncertain significance for Combined oxidative phosphorylation defect type 17. Last evaluated: 2022-05-21. Review status: criteria provided, single submitter. Criteria: Invitae Variant Classification Sherloc (09022015). Collection method: clinical testing. Allele origin: germline.
Comment: In summary, the available evidence is currently insufficient to determine the role of this variant in disease. Therefore, it has been classified as a Variant of Uncertain Significance. This sequence change replaces leucine, which is neutral and non-polar, with phenylalanine, which is neutral and non-polar, at codon 503 of the ELAC2 protein (p.Leu503Phe). This variant is present in population databases (rs772606905, gnomAD 0.004%). Algorithms developed to predict the effect of missense changes on protein structure and function are either unavailable or do not agree on the potential impact of this missense change (SIFT: "Deleterious"; PolyPhen-2: "Probably Damaging"; Align-GVGD: "Class C15"). This variant has not been reported in the literature in individuals affected with ELAC2-related conditions.